The following is an entry in ClinVar:

ClinVar aggregate classification (germline): Uncertain significance. Review status: criteria provided, multiple submitters, no conflicts (2 of 4 stars). 2 submissions from 2 submitters: Uncertain significance (2). Last evaluated 2025-05-27.

Conditions:
Inborn genetic diseases. Identifiers: MedGen C0950123, MeSH D030342.

Allele frequency attached by ClinVar (database versions not stated): TOPMed below 0.00001; gnomAD 0.00001.
gnomAD v4.1: 1 of 1,609,182 alleles (0.000062%); highest among the groups gnomAD compares: Admixed American, 0.0017%; no homozygotes.

Submissions (2):

Ambry Genetics
Classification: Uncertain significance for Inborn genetic diseases. Last evaluated: 2025-05-27. Review status: criteria provided, single submitter. Criteria: Ambry Variant Classification Scheme 2023. Collection method: clinical testing. Allele origin: germline.
Comment: The p.F1547L variant (also known as c.4639T>C), located in coding exon 31 of the ANKRD26 gene, results from a T to C substitution at nucleotide position 4639. The phenylalanine at codon 1547 is replaced by leucine, an amino acid with highly similar properties. This amino acid position is conserved. In addition, this alteration is predicted to be tolerated by in silico analysis. Based on the available evidence, the clinical significance of this variant remains unclear.

Labcorp Genetics (formerly Invitae), Labcorp
Classification: Uncertain significance. Last evaluated: 2023-05-23. Review status: criteria provided, single submitter. Criteria: Invitae Variant Classification Sherloc (09022015). Collection method: clinical testing. Allele origin: germline.
Comment: In summary, the available evidence is currently insufficient to determine the role of this variant in disease. Therefore, it has been classified as a Variant of Uncertain Significance. An algorithm developed to predict the effect of missense changes on protein structure and function (PolyPhen-2) suggests that this variant is likely to be tolerated. This variant has not been reported in the literature in individuals affected with ANKRD26-related conditions. This variant is not present in population databases (gnomAD no frequency). This sequence change replaces phenylalanine, which is neutral and non-polar, with leucine, which is neutral and non-polar, at codon 1547 of the ANKRD26 protein (p.Phe1547Leu).

NM_014915.3(ANKRD26):c.4639T>C (p.Phe1547Leu)

Gene: ANKRD26 (ankyrin repeat domain 26; minus strand). Cytogenetic location: 10p12.1.
Variant type: single nucleotide variant.
Coding change: c.4639T>C on transcript NM_014915.3 (MANE Select); coding-DNA position 4639, T replaced by C.
Protein change: p.Phe1547Leu; replaces phenylalanine 1547 with leucine.
Molecular consequence: missense variant.
Genome position (GRCh38, 1-based): chr10:27,014,579, A>G on the plus strand (T>C on the coding strand, the complement: ANKRD26 is on the minus strand). VCF-style: chr10-27014579-A-G. GRCh37 (hg19) VCF-style: chr10-27303508-A-G.
Other names: c.4636T>C, p.Phe1546Leu (NM_001256053.2); short protein forms F1546L, F1547L.
Identifiers: ClinVar variation 2992168 (VCV002992168.4), dbSNP rs2053227182, ClinGen allele CA376356399.